The following is an entry in ClinVar:

ClinVar aggregate classification (germline): Likely pathogenic (1 of 4 stars; one submission).

Conditions:
Argininosuccinate lyase deficiency. Also called: ARGININOSUCCINIC ACID LYASE DEFICIENCY; ASL DEFICIENCY; Argininosuccinic aciduria. Identifiers: Orphanet 23, MedGen C0268547, MONDO:0008815, OMIM 207900, HP:0025630.

Submission:

Natera, Inc.
Classification: Likely pathogenic for Argininosuccinate lyase deficiency. Last evaluated: 2025-07-03. Review status: criteria provided, single submitter. Criteria: Natera Variant Classification Schema (03/2026). Collection method: clinical testing. Allele origin: germline.
Comment: The c.1296_1297del variant in ASL is a frameshift variant predicted to elongate the protein beyond the termination codon. This variant is expected to result in nonsense mediated decay, truncation, or a dysfunctional protein product. This variant is rare in the general population with a frequency below the threshold expected for the associated phenotype(s). Given the available evidence, this variant is classified as Likely Pathogenic.

NM_000048.4(ASL):c.1296_1297del (p.His432fs)

Gene: ASL (argininosuccinate lyase; plus strand). Cytogenetic location: 7q11.21.
Variant type: Microsatellite.
Coding change: c.1296_1297del on transcript NM_000048.4 (MANE Select); coding-DNA positions 1296 to 1297, 2 bases deleted (CA; older notation c.1296_1297delCA).
Protein change: p.His432fs; shifts the reading frame from histidine 432.
Molecular consequence: frameshift variant.
Genome position (GRCh38, 1-based): chr7:66,092,813-66,092,814, CA deleted; deleting any 2 consecutive bases within chr7:66,092,811-66,092,814 gives the same sequence; the c. name uses the placement nearest the transcript's 3' end. VCF-style (leftmost placement, unchanged base first): chr7-66092810-GCA-G. GRCh37 (hg19) VCF-style: chr7-65557797-GCA-G.
Other names: c.1218_1219del, p.His406fs (NM_001024946.2); c.1296_1297del, p.His432fs (NM_001024943.2); c.1236_1237del, p.His412fs (NM_001024944.2); short protein forms H406fs, H412fs, H432fs.
Identifiers: ClinVar variation 4818269 (VCV004818269.1).